The following is an entry in ClinVar:

NM_000642.3(AGL):c.1230_1233del (p.Gly411fs)

Gene: AGL (amylo-alpha-1,6-glucosidase and 4-alpha-glucanotransferase; plus strand). Cytogenetic location: 1p21.2.
Variant type: Microsatellite.
Coding change: c.1230_1233del on transcript NM_000642.3 (MANE Select); coding-DNA positions 1230 to 1233, 4 bases deleted (TGGC; older notation c.1230_1233delTGGC).
Protein change: p.Gly411fs; shifts the reading frame from glycine 411.
Molecular consequence: frameshift variant.
Genome position (GRCh38, 1-based): chr1:99,875,402-99,875,405, TGGC deleted; deleting any 4 consecutive bases within chr1:99,875,397-99,875,405 gives the same sequence; the c. name uses the placement nearest the transcript's 3' end. VCF-style (leftmost placement, unchanged base first): chr1-99875396-ACTGG-A. GRCh37 (hg19) VCF-style: chr1-100340952-ACTGG-A.
Other names: c.1226_1229TGGC[1], p.Gly411Metfs (NM_000028.3, NM_000643.3, NM_000644.3 and 2 more transcripts); c.1178_1181TGGC[1], p.Gly395Metfs (NM_000646.3); c.1022_1025TGGC[1], p.Gly343Metfs (NM_001425328.1, NM_001425329.1); c.848_851TGGC[1], p.Gly285Metfs (NM_001425332.1); short protein forms G395fs, G411fs.
Identifiers: ClinVar variation 526580 (VCV000526580.1), dbSNP rs1553185474, ClinGen allele CA658795485.
Genomic context (GRCh38, chr1:99,875,396, plus strand): 5'-AACACAATTTAATGTTTTTCAGGCAGTTAATTGCCTTTTGGGAAATGTGTTTTATGAACG[ACTGG>A]CTGGCCATGGTCCAAAACTAGGACCTGTCACTAGAAAGCATCCTTTAGTTACCAGGTGTT-3'

ClinVar aggregate classification (germline): Pathogenic (1 of 4 stars; one submission).

Conditions:
Glycogen storage disease type III (GSD3). Also called: Cori disease; FORBES DISEASE. Identifiers: Orphanet 366, MedGen C0017922, MONDO:0009291, OMIM 232400.

Submission:

Labcorp Genetics (formerly Invitae), Labcorp
Classification: Pathogenic for Glycogen storage disease type III. Last evaluated: 2017-09-27. Review status: criteria provided, single submitter. Criteria: Invitae Variant Classification Sherloc (09022015). Collection method: clinical testing. Allele origin: germline.
Comment: This sequence change creates a premature translational stop signal (p.Gly411Metfs*5) in the AGL gene. It is expected to result in an absent or disrupted protein product. This variant is not present in population databases (ExAC no frequency). This variant has not been reported in the literature in individuals with AGL-related disease. Loss-of-function variants in AGL are known to be pathogenic (PMID: 19299494). For these reasons, this variant has been classified as Pathogenic.